The following is an entry in ClinVar:

ClinVar aggregate classification (germline): Uncertain significance (1 of 4 stars; one submission).

Conditions:
Autosomal dominant hypocalcemia 1 (HYPOC1). Also called: HYPOCALCEMIA, FAMILIAL. Identifiers: MedGen C3715128, MONDO:0011013, OMIM 601198.
Familial hypocalciuric hypercalcemia (FHH). Also called: Familial benign hypercalcemia. Identifiers: Orphanet 405, MedGen C1809471, MONDO:0018458.

Allele frequency attached by ClinVar (database versions not stated): gnomAD exomes below 0.00001.
gnomAD v4.1: 1 of 1,614,094 alleles (0.000062%); highest among the groups gnomAD compares: Non-Finnish European, 0.000085%; no homozygotes.

Submission:

Labcorp Genetics (formerly Invitae), Labcorp
Classification: Uncertain significance for Familial hypocalciuric hypercalcemia; Autosomal dominant hypocalcemia 1. Last evaluated: 2022-11-30. Review status: criteria provided, single submitter. Criteria: Invitae Variant Classification Sherloc (09022015). Collection method: clinical testing. Allele origin: germline.
Comment: In summary, the available evidence is currently insufficient to determine the role of this variant in disease. Therefore, it has been classified as a Variant of Uncertain Significance. Algorithms developed to predict the effect of missense changes on protein structure and function (SIFT, PolyPhen-2, Align-GVGD) all suggest that this variant is likely to be disruptive. ClinVar contains an entry for this variant (Variation ID: 1054366). This variant has not been reported in the literature in individuals affected with CASR-related conditions. This variant is not present in population databases (gnomAD no frequency). This sequence change replaces alanine, which is neutral and non-polar, with serine, which is neutral and polar, at codon 77 of the CASR protein (p.Ala77Ser).

NM_000388.4(CASR):c.229G>T (p.Ala77Ser)

Gene: CASR (calcium sensing receptor; plus strand). Cytogenetic location: 3q21.1.
Variant type: single nucleotide variant.
Coding change: c.229G>T on transcript NM_000388.4 (MANE Select); coding-DNA position 229, G replaced by T.
Protein change: p.Ala77Ser; replaces alanine 77 with serine.
Molecular consequence: missense variant.
Genome position (GRCh38, 1-based): chr3:122,257,124, G>T. VCF-style: chr3-122257124-G-T. GRCh37 (hg19) VCF-style: chr3-121975971-G-T.
Other names: c.229G>T, p.Ala77Ser (NM_001178065.2); short protein forms A77S.
Identifiers: ClinVar variation 1054366 (VCV001054366.9), dbSNP rs2074562595, ClinGen allele CA354362440.
Genomic context (GRCh38, chr3:122,257,124, plus strand): 5'-CTTCTTCTTTCTTCCAGGTATAATTTCCGTGGGTTTCGCTGGTTACAGGCTATGATATTT[G>T]CCATAGAGGAGATAAACAGCAGCCCAGCCCTTCTTCCCAACTTGACGCTGGGATACAGGA-3'
Protein context (NP_000379.3, residues 67-87): GFRWLQAMIF[Ala77Ser]IEEINSSPAL